The following is an entry in ClinVar:

ClinVar aggregate classification (germline): Uncertain significance (1 of 4 stars; one submission).

gnomAD v4.1: 1 of 1,612,138 alleles (0.000062%); highest among the groups gnomAD compares: Non-Finnish European, 0.000085%; no homozygotes.

Submission:

Women's Health and Genetics/Laboratory Corporation of America, LabCorp
Classification: Uncertain significance. Last evaluated: 2025-10-30. Review status: criteria provided, single submitter. Criteria: LabCorp Variant Classification Summary - May 2015. Collection method: clinical testing. Allele origin: germline.
Comment: Variant summary: PKHD1 c.6794A>G (p.His2265Arg) results in a non-conservative amino acid change in the encoded protein sequence. Algorithms developed to predict the effect of missense changes on protein structure and function are either unavailable or do not agree on the potential impact of this missense change. The variant was absent in 250844 control chromosomes. The available data on variant occurrences in the general population are insufficient to allow any conclusion about variant significance. To our knowledge, no occurrence of c.6794A>G in individuals affected with PKHD1-related conditions and no experimental evidence demonstrating its impact on protein function have been reported. No submitters have cited clinical-significance assessments for this variant to ClinVar. Based on the evidence outlined above, the variant was classified as uncertain significance.

NM_138694.4(PKHD1):c.6794A>G (p.His2265Arg)

Gene: PKHD1 (PKHD1 ciliary IPT domain containing fibrocystin/polyductin; minus strand). Cytogenetic location: 6p12.2.
Variant type: single nucleotide variant.
Coding change: c.6794A>G on transcript NM_138694.4 (MANE Select); coding-DNA position 6794, A replaced by G.
Protein change: p.His2265Arg; replaces histidine 2265 with arginine.
Molecular consequence: missense variant.
Genome position (GRCh38, 1-based): chr6:51,906,229, T>C on the plus strand (A>G on the coding strand, the complement: PKHD1 is on the minus strand). VCF-style: chr6-51906229-T-C. GRCh37 (hg19) VCF-style: chr6-51771027-T-C.
Other names: c.6794A>G, p.His2265Arg (NM_170724.3); short protein forms H2265R.
Identifiers: ClinVar variation 4687289 (VCV004687289.1).